The following is an entry in ClinVar:

NM_001366145.2(TRPM3):c.1130A>C (p.Lys377Thr)

Gene: TRPM3 (transient receptor potential cation channel subfamily M member 3; minus strand). Cytogenetic location: 9q21.12.
Variant type: single nucleotide variant.
Coding change: c.1130A>C on transcript NM_001366145.2 (MANE Select); coding-DNA position 1130, A replaced by C.
Protein change: p.Lys377Thr; replaces lysine 377 with threonine.
Molecular consequence: missense variant.
Genome position (GRCh38, 1-based): chr9:70,784,123, T>G on the plus strand (A>C on the coding strand, the complement: TRPM3 is on the minus strand). VCF-style: chr9-70784123-T-G. GRCh37 (hg19) VCF-style: chr9-73399039-T-G.
Other names: c.1205A>C, p.Lys402Thr (NM_001366148.2, NM_001366152.2, NM_001366147.2); c.1130A>C, p.Lys377Thr (NM_001366149.2, NM_001366150.2, NM_001366151.2 and 3 more transcripts); c.671A>C, p.Lys224Thr (NM_001366154.2, NM_020952.6, NM_024971.7 and 3 more transcripts); c.1205A>C (NM_001366147.1); c.1130A>C (NM_001007471.2); c.746A>C, p.Lys249Thr (NM_001007470.3, NM_206946.5, NM_206947.5); c.1136A>C, p.Lys379Thr (NM_001366141.2, NM_001366142.2, NM_001366143.2 and 1 more transcripts); short protein forms K224T, K377T, K379T, K402T, K249T.
Identifiers: ClinVar variation 450278 (VCV000450278.5), dbSNP rs1554704460, ClinGen allele CA373556694.

ClinVar aggregate classification (germline): Uncertain significance. Review status: criteria provided, multiple submitters, no conflicts (2 of 4 stars). 3 submissions from 3 submitters: Uncertain significance (3). Last evaluated 2025-10-24.

Conditions:
TRPM3-related disorder. Also called: TRPM3-related condition.
Inborn genetic diseases. Identifiers: MedGen C0950123, MeSH D030342.

Allele frequency attached by ClinVar (database versions not stated): gnomAD exomes below 0.00001.
gnomAD v4.1: 1 of 1,613,520 alleles (0.000062%); highest among the groups gnomAD compares: Non-Finnish European, 0.000085%; no homozygotes.

Submissions (3):

Ambry Genetics
Classification: Uncertain significance for Inborn genetic diseases. Last evaluated: 2025-10-24. Review status: criteria provided, single submitter. Criteria: Ambry Variant Classification Scheme 2023. Collection method: clinical testing. Allele origin: germline.

PreventionGenetics, part of Exact Sciences
Classification: Uncertain significance for TRPM3-related condition. Last evaluated: 2025-02-19. Review status: criteria provided, single submitter. Criteria: ACMG Guidelines, 2015. Collection method: clinical testing. Allele origin: germline.
Comment: The TRPM3 c.1205A>C variant is predicted to result in the amino acid substitution p.Lys402Thr. To our knowledge, this variant has not been reported in the literature or in a large population database (gnomAD), indicating this variant is rare. At this time, the clinical significance of this variant is uncertain due to the absence of conclusive functional and genetic evidence.

GeneDx
Classification: Uncertain significance. Last evaluated: 2021-05-31. Review status: criteria provided, single submitter. Criteria: GeneDx Variant Classification Process June 2021. Collection method: clinical testing. Allele origin: germline. Affected: yes.
Comment: Not observed at significant frequency in large population cohorts (Lek et al., 2016); In silico analysis supports that this missense variant has a deleterious effect on protein structure/function; Has not been previously published as pathogenic or benign to our knowledge; This variant is associated with the following publications: (PMID: 27535533)